The following is an entry in ClinVar:

NM_007118.4(TRIO):c.978C>G (p.His326Gln)

Gene: TRIO (trio Rho guanine nucleotide exchange factor; plus strand). Cytogenetic location: 5p15.2.
Variant type: single nucleotide variant.
Coding change: c.978C>G on transcript NM_007118.4 (MANE Select); coding-DNA position 978, C replaced by G.
Protein change: p.His326Gln; replaces histidine 326 with glutamine.
Molecular consequence: missense variant. On other transcripts: non-coding transcript variant (1).
Genome position (GRCh38, 1-based): chr5:14,291,153, C>G. VCF-style: chr5-14291153-C-G. GRCh37 (hg19) VCF-style: chr5-14291262-C-G.
Other names: short protein forms H326Q.
Identifiers: ClinVar variation 4755829 (VCV004755829.1).

ClinVar aggregate classification (germline): Uncertain significance (1 of 4 stars; one submission).

Submission:

GeneDx
Classification: Uncertain significance. Last evaluated: 2025-08-08. Review status: criteria provided, single submitter. Criteria: GeneDx Variant Classification Process June 2021. Collection method: clinical testing. Allele origin: germline. Affected: yes.
Comment: Not observed at significant frequency in large population cohorts (gnomAD); In silico analysis supports that this missense variant has a deleterious effect on protein structure/function; Has not been previously published as pathogenic or benign to our knowledge